The following is an entry in ClinVar:

ClinVar aggregate classification (germline): Likely benign. Review status: criteria provided, multiple submitters, no conflicts (2 of 4 stars). 2 submissions from 2 submitters: Likely benign (2). Last evaluated 2026-07-28.

Conditions:
Hereditary pheochromocytoma and paraganglioma. Also called: Hereditary paragangliomas and pheochromocytomas; Hereditary Paraganglioma-Pheochromocytoma Syndromes; Hereditary pheochromocytoma-paraganglioma. Identifiers: Orphanet 29072, MedGen C4274332, MONDO:0017366.

Allele frequency attached by ClinVar (database versions not stated): ExAC 0.00007; gnomAD 0.00015 and 0.00016; ESP Exome Variant Server 0.00069; TOPMed 0.00020; gnomAD exomes 0.00005.

Submissions (2):

Myriad Genetics, Inc.
Classification: Likely benign for Hereditary pheochromocytoma and paraganglioma. Last evaluated: 2026-07-28. Review status: criteria provided, single submitter. Criteria: Myriad Autosomal Dominant, Autosomal Recessive and X-Linked Classification Criteria (2023). Collection method: clinical testing. Allele origin: unknown.
Comment: This variant is considered likely benign. This variant is intronic and is not expected to impact mRNA splicing.

Labcorp Genetics (formerly Invitae), Labcorp
Classification: Likely benign for Hereditary pheochromocytoma and paraganglioma. Last evaluated: 2026-01-04. Review status: criteria provided, single submitter. Criteria: Invitae Variant Classification Sherloc (09022015). Collection method: clinical testing. Allele origin: germline.

NM_017849.4(TMEM127):c.410-17G>A

Gene: TMEM127 (transmembrane protein 127; minus strand). Cytogenetic location: 2q11.2.
Variant type: single nucleotide variant.
Coding change: c.410-17G>A on transcript NM_017849.4 (MANE Select); 17 bases into the intron before coding-DNA position 410, G replaced by A.
Molecular consequence: intron variant.
Genome position (GRCh38, 1-based): chr2:96,254,132, C>T on the plus strand (G>A on the coding strand, the complement: TMEM127 is on the minus strand). VCF-style: chr2-96254132-C-T. GRCh37 (hg19) VCF-style: chr2-96919870-C-T.
Other names: c.410-17G>A (NM_001193304.3).
Identifiers: ClinVar variation 1629941 (VCV001629941.9), dbSNP rs369750335, ClinGen allele CA1777309.